The following is an entry in ClinVar:

ClinVar aggregate classification (germline): Conflicting classifications of pathogenicity. Review status: criteria provided, conflicting classifications (1 of 4 stars). 2 submissions from 2 submitters: Uncertain significance (1); Likely benign (1). Last evaluated 2025-01-19.

Conditions:
Benign neonatal seizures. Also called: Benign neonatal familial convulsions; Benign familial neonatal epilepsy; Benign familial neonatal seizures; Convulsions benign familial neonatal dominant form; Autosomal dominant form of benign neonatal seizures. Identifiers: Orphanet 1949, MedGen C0220669, MONDO:0016027.

Allele frequency attached by ClinVar (database versions not stated): ExAC 0.00001; gnomAD exomes 0.00001; gnomAD 0.00003; TOPMed 0.00003.
gnomAD v4.1: 18 of 1,614,072 alleles (0.0011%); highest among the groups gnomAD compares: African/African-American, 0.004%; no homozygotes.

Submissions (2):

Labcorp Genetics (formerly Invitae), Labcorp
Classification: Uncertain significance for Benign neonatal seizures. Last evaluated: 2025-01-19. Review status: criteria provided, single submitter. Criteria: Invitae Variant Classification Sherloc (09022015). Collection method: clinical testing. Allele origin: germline.
Comment: This sequence change replaces arginine, which is basic and polar, with glutamine, which is neutral and polar, at codon 784 of the KCNQ3 protein (p.Arg784Gln). This variant is present in population databases (rs754896169, gnomAD 0.008%). This missense change has been observed in individual(s) with clinical features of KCNQ3-related conditions (PMID: 29655203, 33149276). ClinVar contains an entry for this variant (Variation ID: 205992). Invitae Evidence Modeling of protein sequence and biophysical properties (such as structural, functional, and spatial information, amino acid conservation, physicochemical variation, residue mobility, and thermodynamic stability) indicates that this missense variant is not expected to disrupt KCNQ3 protein function with a negative predictive value of 95%. In summary, the available evidence is currently insufficient to determine the role of this variant in disease. Therefore, it has been classified as a Variant of Uncertain Significance.

GeneDx
Classification: Likely benign. Last evaluated: 2019-02-28. Review status: criteria provided, single submitter. Criteria: GeneDx Variant Classification Process June 2021. Collection method: clinical testing. Allele origin: germline. Affected: yes.
Comment: This variant is associated with the following publications: (PMID: 29655203)

Literature cited by the submitters: PubMed 29655203 (cited by Labcorp Genetics (formerly Invitae), Labcorp); PubMed 33149276 (cited by Labcorp Genetics (formerly Invitae), Labcorp).

NM_004519.4(KCNQ3):c.2351G>A (p.Arg784Gln)

Gene: KCNQ3 (potassium voltage-gated channel subfamily Q member 3; minus strand). Cytogenetic location: 8q24.22.
Variant type: single nucleotide variant.
Coding change: c.2351G>A on transcript NM_004519.4 (MANE Select); coding-DNA position 2351, G replaced by A.
Protein change: p.Arg784Gln; replaces arginine 784 with glutamine.
Molecular consequence: missense variant.
Genome position (GRCh38, 1-based): chr8:132,129,530, C>T on the plus strand (G>A on the coding strand, the complement: KCNQ3 is on the minus strand). VCF-style: chr8-132129530-C-T. GRCh37 (hg19) VCF-style: chr8-133141777-C-T.
Other names: p.R784Q:CGA>CAA; c.2351G>A (NM_004519.3); c.1991G>A, p.Arg664Gln (NM_001204824.2); short protein forms R784Q, R664Q.
Identifiers: ClinVar variation 205992 (VCV000205992.8), dbSNP rs754896169, ClinGen allele CA315650.